The following is an entry in ClinVar:

ClinVar aggregate classification (germline): Uncertain significance. Review status: criteria provided, multiple submitters, no conflicts (2 of 4 stars). 2 submissions from 2 submitters: Uncertain significance (2). Last evaluated 2025-09-03.

Allele frequency attached by ClinVar (database versions not stated): ExAC 0.00001; TOPMed 0.00001.

Submissions (2):

Labcorp Genetics (formerly Invitae), Labcorp
Classification: Uncertain significance. Last evaluated: 2025-09-03. Review status: criteria provided, single submitter. Criteria: Invitae Variant Classification Sherloc (09022015). Collection method: clinical testing. Allele origin: germline.
Comment: This sequence change replaces leucine, which is neutral and non-polar, with valine, which is neutral and non-polar, at codon 346 of the POLA1 protein (p.Leu346Val). This variant is present in population databases (rs750378852, gnomAD 0.004%). This variant has not been reported in the literature in individuals affected with POLA1-related conditions. ClinVar contains an entry for this variant (Variation ID: 2186683). Invitae Evidence Modeling of protein sequence and biophysical properties (such as structural, functional, and spatial information, amino acid conservation, physicochemical variation, residue mobility, and thermodynamic stability) indicates that this missense variant is not expected to disrupt POLA1 protein function with a negative predictive value of 80%. In summary, the available evidence is currently insufficient to determine the role of this variant in disease. Therefore, it has been classified as a Variant of Uncertain Significance.

Women's Health and Genetics/Laboratory Corporation of America, LabCorp
Classification: Uncertain significance. Last evaluated: 2023-04-24. Review status: criteria provided, single submitter. Criteria: LabCorp Variant Classification Summary - May 2015. Collection method: clinical testing. Allele origin: germline.
Comment: Variant summary: POLA1 c.1036T>G (p.Leu346Val) results in a conservative amino acid change in the encoded protein sequence. Three of five in-silico tools predict a benign effect of the variant on protein function. The variant allele was found at a frequency of 5.6e-06 in 179411 control chromosomes (gnomAD). The available data on variant occurrences in the general population are insufficient to allow any conclusion about variant significance. To our knowledge, no occurrence of c.1036T>G in individuals affected with X-Linked Intellectual Disability, Van Esch Type and no experimental evidence demonstrating its impact on protein function have been reported. One clinical diagnostic laboratory has submitted clinical-significance assessments for this variant to ClinVar after 2014 and classified the variant as uncertain significance. Based on the evidence outlined above, the variant was classified as uncertain significance.

NM_001330360.2(POLA1):c.1054T>G (p.Leu352Val)

Gene: POLA1 (DNA polymerase alpha 1, catalytic subunit; plus strand). Cytogenetic location: Xp22.11.
Variant type: single nucleotide variant.
Coding change: c.1054T>G on transcript NM_001330360.2 (MANE Select); coding-DNA position 1054, T replaced by G.
Protein change: p.Leu352Val; replaces leucine 352 with valine.
Molecular consequence: missense variant. On other transcripts: non-coding transcript variant (2).
Genome position (GRCh38, 1-based): chrX:24,717,725, T>G. VCF-style: chrX-24717725-T-G. GRCh37 (hg19) VCF-style: chrX-24735842-T-G.
Other names: c.1054T>G, p.Leu352Val (NM_001378303.1); c.1036T>G, p.Leu346Val (NM_016937.4); c.1036T>G (NM_016937.3); short protein forms L346V, L352V.
Identifiers: ClinVar variation 2186683 (VCV002186683.5), dbSNP rs750378852, ClinGen allele CA10372893.